The following is an entry in ClinVar:

ClinVar aggregate classification (germline): Uncertain significance (1 of 4 stars; one submission).

Conditions:
Cystic fibrosis (CF). Also called: MUCOVISCIDOSIS. Identifiers: Orphanet 586, MedGen C0010674, MONDO:0009061, OMIM 219700. Disease mechanism: loss of function.

Submission:

Ambry Genetics
Classification: Uncertain significance for Cystic fibrosis. Last evaluated: 2026-02-17. Review status: criteria provided, single submitter. Criteria: Ambry Variant Classification Scheme 2023. Collection method: clinical testing. Allele origin: germline.
Comment: The p.I546M variant (also known as c.1638C>G), located in coding exon 12 of the CFTR gene, results from a C to G substitution at nucleotide position 1638. The isoleucine at codon 546 is replaced by methionine, an amino acid with highly similar properties. This amino acid position is conserved. In addition, the in silico prediction for this alteration is inconclusive. Based on the available evidence, the clinical significance of this variant remains unclear.

NM_000492.4(CFTR):c.1638C>G (p.Ile546Met)

Genes: CFTR (CF transmembrane conductance regulator; plus strand), LOC111674475 (CFTR intron 11 enhancer; plus strand). Cytogenetic location: 7q31.2.
Variant type: single nucleotide variant.
Coding change: c.1638C>G on transcript NM_000492.4 (MANE Select); coding-DNA position 1638, C replaced by G.
Protein change: p.Ile546Met; replaces isoleucine 546 with methionine.
Molecular consequence: missense variant.
Genome position (GRCh38, 1-based): chr7:117,587,792, C>G. VCF-style: chr7-117587792-C-G. GRCh37 (hg19) VCF-style: chr7-117227846-C-G.
Other names: short protein forms I546M.
Identifiers: ClinVar variation 4825418 (VCV004825418.1).